The following is an entry in ClinVar:

ClinVar aggregate classification (germline): Likely pathogenic (1 of 4 stars; one submission).

Conditions:
Hypertrichotic osteochondrodysplasia Cantu type. Also called: Cantu Syndrome; Cantú Syndrome. Identifiers: Orphanet 1517, MedGen C0795905, MONDO:0009406, OMIM 239850.

Submission:

Genetics and Molecular Pathology, SA Pathology
Classification: Likely pathogenic for Hypertrichotic osteochondrodysplasia Cantu type. Last evaluated: 2020-08-14. Review status: criteria provided, single submitter. Criteria: ACMG Guidelines, 2015. Collection method: clinical testing. Allele origin: germline. Inheritance: Autosomal dominant inheritance. Affected: yes.
Comment: The ABCC9 c.4375C>T variant is classified as Likely Pathogenic (PS2, PM2, PP2, PP3, PP4) The ABCC9 c.4375C>T variant is a single nucleotide change in the ABCC9 gene, which is predicted to change the amino acid leucine at position 1459 in the protein to phenylalanine. This variant is absent from population databases (PM2). This is a missense variant in a constrained gene where missense variants are a common mechanism of disease and benign variation is rare (PP2) Computational predictions support a deleterious effect on the gene or gene product (PP3). The clinical features of this case are highly specific for the ABCC9, the family history is consistent with the mode of inheritance of this condition and this patient has a well-defined syndrome with little overlap with other clinical presentations (PP4).

NM_020297.4(ABCC9):c.4375C>T (p.Leu1459Phe)

Genes: KCNJ8-AS1 (KCNJ8 antisense RNA 1; plus strand), ABCC9 (ATP binding cassette subfamily C member 9; minus strand). Cytogenetic location: 12p12.1.
Variant type: single nucleotide variant.
Coding change: c.4375C>T on transcript NM_020297.4 (MANE Select); coding-DNA position 4375, C replaced by T.
Protein change: p.Leu1459Phe; replaces leucine 1459 with phenylalanine.
Molecular consequence: missense variant.
Genome position (GRCh38, 1-based): chr12:21,807,420, G>A on the plus strand (C>T on the coding strand, the complement: ABCC9 is on the minus strand). VCF-style: chr12-21807420-G-A. GRCh37 (hg19) VCF-style: chr12-21960354-G-A.
Other names: c.4375C>T, p.Leu1459Phe (NM_001377273.1, NM_005691.4); c.3508C>T, p.Leu1170Phe (NM_001377274.1); short protein forms L1170F, L1459F.
Identifiers: ClinVar variation 1803134 (VCV001803134.1), dbSNP rs2540806316, ClinGen allele CA384131818.